The following is an entry in ClinVar:

ClinVar aggregate classification (germline): Benign (1 of 4 stars; one submission).

Conditions:
Gastrointestinal stromal tumor. Also called: Gastrointestinal stromal tumor, somatic; Gastrointestinal stroma tumor. Identifiers: Orphanet 44890, MedGen C0238198, MeSH D046152, MONDO:0011719, OMIM 606764, HP:0100723.

Submission:

Myriad Genetics, Inc.
Classification: Benign for Gastrointestinal stromal tumor. Last evaluated: 2026-06-03. Review status: criteria provided, single submitter. Criteria: Myriad Autosomal Dominant, Autosomal Recessive and X-Linked Classification Criteria (2023). Collection method: clinical testing. Allele origin: unknown.
Comment: This variant is considered benign. This variant is a silent/synonymous amino acid change and it is not expected to impact splicing.

NM_000222.3(KIT):c.966A>G (p.Thr322=)

Gene: KIT (KIT proto-oncogene, receptor tyrosine kinase; plus strand). Cytogenetic location: 4q12.
Variant type: single nucleotide variant.
Coding change: c.966A>G on transcript NM_000222.3 (MANE Select); coding-DNA position 966, A replaced by G.
Protein change: p.Thr322=; no amino-acid change (threonine 322 retained).
Molecular consequence: synonymous variant.
Genome position (GRCh38, 1-based): chr4:54,707,138, A>G. VCF-style: chr4-54707138-A-G. GRCh37 (hg19) VCF-style: chr4-55573304-A-G.
Other names: c.966A>G, p.Thr322= (NM_001093772.2, NM_001385285.1, NM_001385286.1); c.969A>G, p.Thr323= (NM_001385284.1, NM_001385288.1, NM_001385290.1 and 1 more transcripts).
Identifiers: ClinVar variation 4875845 (VCV004875845.1).
Genomic context (GRCh38, chr4:54,707,138, plus strand): 5'-TCTTATTTCATTCTAATTAGATAAAGGATTCATTAATATCTTCCCCATGATAAACACTAC[A>G]GTATTTGTAAACGATGGAGAAAATGTAGATTTGATTGTTGAATATGAAGCATTCCCCAAA-3'
Protein context (NP_000213.1, residues 312-332): FINIFPMINT[Thr322=]VFVNDGENVD